The following is an entry in ClinVar:

ClinVar aggregate classification (germline): Uncertain significance (1 of 4 stars; one submission).

Conditions:
Encephalopathy, acute, infection-induced (herpes-specific), susceptibility to, 6. Also called: Herpes simplex encephalitis, susceptibility to, 4. Identifiers: Orphanet 1930, MedGen C3553869, MONDO:0013921, OMIM 614850.

Allele frequency attached by ClinVar (database versions not stated): gnomAD 0.00001; TOPMed 0.00001; ESP Exome Variant Server 0.00008.
gnomAD v4.1: 11 of 1,613,780 alleles (0.00068%); highest among the groups gnomAD compares: Admixed American, 0.005%; no homozygotes.

Submission:

Labcorp Genetics (formerly Invitae), Labcorp
Classification: Uncertain significance for Encephalopathy, acute, infection-induced (herpes-specific), susceptibility to, 6. Last evaluated: 2024-10-21. Review status: criteria provided, single submitter. Criteria: Invitae Variant Classification Sherloc (09022015). Collection method: clinical testing. Allele origin: germline.
Comment: This sequence change replaces arginine, which is basic and polar, with tryptophan, which is neutral and slightly polar, at codon 550 of the TICAM1 protein (p.Arg550Trp). This variant is present in population databases (rs146110283, gnomAD 0.006%). This variant has not been reported in the literature in individuals affected with TICAM1-related conditions. ClinVar contains an entry for this variant (Variation ID: 1393045). An algorithm developed to predict the effect of missense changes on protein structure and function (PolyPhen-2) suggests that this variant is likely to be disruptive. In summary, the available evidence is currently insufficient to determine the role of this variant in disease. Therefore, it has been classified as a Variant of Uncertain Significance.

NM_182919.4(TICAM1):c.1648C>T (p.Arg550Trp)

Gene: TICAM1 (TIR domain containing adaptor molecule 1; minus strand). Cytogenetic location: 19p13.3.
Variant type: single nucleotide variant.
Coding change: c.1648C>T on transcript NM_182919.4 (MANE Select); coding-DNA position 1648, C replaced by T.
Protein change: p.Arg550Trp; replaces arginine 550 with tryptophan.
Molecular consequence: missense variant.
Genome position (GRCh38, 1-based): chr19:4,816,730, G>A on the plus strand (C>T on the coding strand, the complement: TICAM1 is on the minus strand). VCF-style: chr19-4816730-G-A. GRCh37 (hg19) VCF-style: chr19-4816742-G-A.
Other names: c.1606C>T, p.Arg536Trp (NM_001385678.1); c.1513C>T, p.Arg505Trp (NM_001385679.1); c.1006C>T, p.Arg336Trp (NM_001385680.1); short protein forms R505W, R550W, R536W, R336W.
Identifiers: ClinVar variation 1393045 (VCV001393045.8), dbSNP rs146110283, ClinGen allele CA9105091.